The following is an entry in ClinVar:

NM_001931.5(DLAT):c.723dup (p.Val242fs)

Gene: DLAT (dihydrolipoamide S-acetyltransferase; plus strand). Cytogenetic location: 11q23.1.
Variant type: Duplication.
Coding change: c.723dup on transcript NM_001931.5 (MANE Select); coding-DNA position 723, one base duplicated (A; older notation c.723dupA).
Protein change: p.Val242fs; shifts the reading frame from valine 242.
Molecular consequence: frameshift variant. On other transcripts: non-coding transcript variant (1), intron variant (3).
Genome position (GRCh38, 1-based): chr11:112,033,466, A duplicated; the last of 8 consecutive A bases (chr11:112,033,459-112,033,466); duplicating any one gives the same sequence. VCF-style (leftmost placement, unchanged base first): chr11-112033458-G-GA. GRCh37 (hg19) VCF-style: chr11-111904182-G-GA.
Other names: c.723dup, p.Val242fs (NM_001372031.1, NM_001372032.1, NM_001372033.1 and 1 more transcripts); c.690dup, p.Val231fs (NM_001372034.1); c.555dup, p.Val186fs (NM_001372037.1); c.444dup, p.Val149fs (NM_001372038.1); c.261dup, p.Val88fs (NM_001372042.1); c.660+4521dup (NM_001372039.1, NM_001372041.1); c.365-23dup (NM_001372040.1); c.597dup, p.Val200fs (NM_001372036.1); short protein forms V231fs, V186fs, V242fs, V88fs, V200fs, V149fs.
Identifiers: ClinVar variation 2778456 (VCV002778456.3), dbSNP rs782029228, ClinGen allele CA6276728.

ClinVar aggregate classification (germline): Pathogenic (1 of 4 stars; one submission).

Conditions:
Pyruvate dehydrogenase E2 deficiency (PDHDD). Also called: Dihydrolipoamide Acetyltransferase (E2) Deficiency; LACTIC ACIDEMIA DUE TO DEFECT OF E2 LIPOYL TRANSACETYLASE OF THE PYRUVATE DEHYDROGENASE COMPLEX. Identifiers: Orphanet 765, Orphanet 79244, MedGen C1855565, MONDO:0009502, OMIM 245348.

Submission:

Labcorp Genetics (formerly Invitae), Labcorp
Classification: Pathogenic for Pyruvate dehydrogenase E2 deficiency. Last evaluated: 2024-06-17. Review status: criteria provided, single submitter. Criteria: Invitae Variant Classification Sherloc (09022015). Collection method: clinical testing. Allele origin: germline.
Comment: This sequence change creates a premature translational stop signal (p.Val242Serfs*3) in the DLAT gene. It is expected to result in an absent or disrupted protein product. Loss-of-function variants in DLAT are known to be pathogenic (PMID: 20022530, 23021068). This variant is not present in population databases (gnomAD no frequency). This variant has not been reported in the literature in individuals affected with DLAT-related conditions. For these reasons, this variant has been classified as Pathogenic.

Literature cited by the submitters: PubMed 20022530; PubMed 23021068.